The following is an entry in ClinVar:

NM_000298.6(PKLR):c.694+5_694+12del

Gene: PKLR (pyruvate kinase L/R; minus strand). Cytogenetic location: 1q22.
Variant type: Deletion.
Coding change: c.694+5_694+12del on transcript NM_000298.6 (MANE Select); bases 5 to 12 of the intron after coding-DNA position 694, 8 bases deleted (GGACGCGC; older notation c.694+5_694+12delGGACGCGC).
Molecular consequence: intron variant.
Genome position (GRCh38, 1-based): chr1:155,295,104-155,295,111, GCGCGTCC deleted on the plus strand (GGACGCGC on the coding strand, the reverse complement: PKLR is on the minus strand); deleting any 8 consecutive bases within chr1:155,295,104-155,295,113 gives the same sequence; the c. name uses the placement nearest the transcript's 3' end. VCF-style (leftmost placement, unchanged base first): chr1-155295103-GGCGCGTCC-G. GRCh37 (hg19) VCF-style: chr1-155264894-GGCGCGTCC-G.
Other names: c.601+5_601+12del (NM_181871.4).
Identifiers: ClinVar variation 4810708 (VCV004810708.1).
Genomic context (GRCh38, chr1:155,295,103, plus strand): 5'-CTGATGGGGGAGCCAAGGAGAAGGGAATGTGCCCAGCGCACGGATGTGGTCAGGGCGGGA[GGCGCGTCC>G]GCACCGATTTTCTGGACCACTAGGGAGATGAGCCCGTCGTCAATGTAGATGCGGCCCCCC-3'

ClinVar aggregate classification (germline): Uncertain significance (1 of 4 stars; one submission).

Submission:

Labcorp Genetics (formerly Invitae), Labcorp
Classification: Uncertain significance. Last evaluated: 2025-07-21. Review status: criteria provided, single submitter. Criteria: Invitae Variant Classification Sherloc (09022015). Collection method: clinical testing. Allele origin: germline.
Comment: This sequence change falls in intron 5 of the PKLR gene. It does not directly change the encoded amino acid sequence of the PKLR protein. It affects a nucleotide within the consensus splice site. This variant is not present in population databases (gnomAD no frequency). This variant has not been reported in the literature in individuals affected with PKLR-related conditions. Variants that disrupt the consensus splice site are a relatively common cause of aberrant splicing (PMID: 17576681, 9536098). Algorithms developed to predict the effect of sequence changes on RNA splicing suggest that this variant may disrupt the consensus splice site. In summary, the available evidence is currently insufficient to determine the role of this variant in disease. Therefore, it has been classified as a Variant of Uncertain Significance.

Literature cited by the submitters: PubMed 17576681; PubMed 9536098.